The following is an entry in ClinVar:

NM_054027.6(ANKH):c.1365+13C>T

Genes: ANKH (ANKH inorganic pyrophosphate transport regulator; minus strand), OTULIN (OTU deubiquitinase with linear linkage specificity; plus strand), LOC100130744 (uncharacterized LOC100130744; plus strand). Cytogenetic location: 5p15.2.
Variant type: single nucleotide variant.
Coding change: c.1365+13C>T on transcript NM_054027.6 (MANE Select); 13 bases into the intron after coding-DNA position 1365, C replaced by T.
Molecular consequence: intron variant. On other transcripts: non-coding transcript variant (1).
Genome position (GRCh38, 1-based): chr5:14,712,861, G>A on the plus strand (C>T on the coding strand, the complement: ANKH is on the minus strand). VCF-style: chr5-14712861-G-A. GRCh37 (hg19) VCF-style: chr5-14712970-G-A.
Identifiers: ClinVar variation 905791 (VCV000905791.11), dbSNP rs377704922, ClinGen allele CA3208822.

ClinVar aggregate classification (germline): Benign. Review status: criteria provided, multiple submitters, no conflicts (2 of 4 stars). 3 submissions from 2 submitters: Benign (3). Last evaluated 2025-03-31.

Conditions:
Chondrocalcinosis 2. Also called: Familial calcium pyrophosphate deposition; CALCIUM GOUT; CALCIUM PYROPHOSPHATE ARTHROPATHY. Identifiers: Orphanet 1416, MedGen C0856830, MONDO:0007319, OMIM 118600.
Craniometaphyseal dysplasia, autosomal dominant (CMDD). Identifiers: Orphanet 1522, MedGen C1852502, MONDO:0007397, OMIM 123000.

Allele frequency attached by ClinVar (database versions not stated): ESP Exome Variant Server 0.00008; gnomAD 0.00009 and 0.00010; gnomAD exomes 0.00011 and 0.00015; TOPMed 0.00011; ExAC 0.00027.
gnomAD v4.1: 177 of 1,594,330 alleles (0.011%); highest among the groups gnomAD compares: Non-Finnish European, 0.011%; no homozygotes.

Submissions (3):

Labcorp Genetics (formerly Invitae), Labcorp
Classification: Benign. Last evaluated: 2025-03-31. Review status: criteria provided, single submitter. Criteria: Invitae Variant Classification Sherloc (09022015). Collection method: clinical testing. Allele origin: germline.

Illumina Laboratory Services, Illumina
Classification: Benign for Craniometaphyseal dysplasia, autosomal dominant. Last evaluated: 2018-03-20. Review status: criteria provided, single submitter. Criteria: ICSL Variant Classification Criteria 13 December 2019. Collection method: clinical testing. Allele origin: germline.
Comment: This variant was observed in the ICSL laboratory as part of a predisposition screen in an ostensibly healthy population. It had not been previously curated by ICSL or reported in the Human Gene Mutation Database (HGMD: prior to June 1st, 2018), and was therefore a candidate for classification through an automated scoring system. Utilizing variant allele frequency, disease prevalence and penetrance estimates, and inheritance mode, an automated score was calculated to assess if this variant is too frequent to cause the disease. Based on the score and internal cut-off values, a variant classified as benign is not then subjected to further curation. The score for this variant resulted in a classification of benign for this disease.

Illumina Laboratory Services, Illumina
Classification: Benign for Chondrocalcinosis 2. Last evaluated: 2018-03-20. Review status: criteria provided, single submitter. Criteria: ICSL Variant Classification Criteria 13 December 2019. Collection method: clinical testing. Allele origin: germline.
Comment: the same text as in the submission from Illumina Laboratory Services, Illumina above.